The following is an entry in ClinVar:

NC_000011.9:g.(?_17548750)_(17565854_?)del

Gene: USH1C (USH1 protein network component harmonin; minus strand). Cytogenetic location: 11p15.1.
Variant type: Deletion.
Identifiers: ClinVar variation 1458556 (VCV001458556.5).

ClinVar aggregate classification (germline): Pathogenic (1 of 4 stars; one submission).

Submission:

Labcorp Genetics (formerly Invitae), Labcorp
Classification: Pathogenic. Last evaluated: 2022-07-05. Review status: criteria provided, single submitter. Criteria: Invitae Variant Classification Sherloc (09022015). Collection method: clinical testing. Allele origin: germline.
Comment: For these reasons, this variant has been classified as Pathogenic. This variant has not been reported in the literature in individuals affected with USH1C-related conditions. This variant is a gross deletion of the genomic region encompassing exon(s) 1-5 of the USH1C gene, which includes the initiator codon. This deletion extends beyond the assayed region for this gene and therefore may encompass additional genes. It is expected to result in an absent or disrupted protein product. Loss-of-function variants in USH1C are known to be pathogenic (PMID: 10973247, 17407589, 20301442, 21203349).

Literature cited by the submitters: PubMed 10973247; PubMed 17407589; PubMed 20301442; PubMed 21203349.